The following is an entry in ClinVar:

NM_004360.5(CDH1):c.1107del (p.Asn369fs)

Gene: CDH1 (cadherin 1; plus strand). Cytogenetic location: 16q22.1.
Variant type: Deletion.
Coding change: c.1107del on transcript NM_004360.5 (MANE Select); coding-DNA position 1107, one base deleted (C; older notation c.1107delC).
Protein change: p.Asn369fs; shifts the reading frame from asparagine 369.
Molecular consequence: frameshift variant. On other transcripts: 5 prime UTR variant (2).
Genome position (GRCh38, 1-based): chr16:68,812,233, C deleted. VCF-style (leftmost placement, unchanged base first): chr16-68812232-AC-A. GRCh37 (hg19) VCF-style: chr16-68846135-AC-A.
Other names: c.1107del, p.Asn369fs (NM_001317184.2); c.-509del (NM_001317185.2); c.-713del (NM_001317186.2); c.1107del (LRG_301t1, NM_004360.4, NM_004360.3); short protein forms N369fs.
Identifiers: ClinVar variation 578952 (VCV000578952.23), dbSNP rs1567507138, ClinGen allele CA891843861.
Genomic context (GRCh38, chr16:68,812,232, plus strand): 5'-ACCTTCAAGGTGAGGGGTTAAGCACAACAGCAACAGCTGTGATCACAGTCACTGACACCA[AC>A]GATAATCCTCCGATCTTCAATCCCACCACGGTAATTCTATAACTCCTTAGAGGGTTTCCA-3'

ClinVar aggregate classification (germline): Pathogenic. Review status: reviewed by expert panel (3 of 4 stars). 6 submissions from 6 submitters: Pathogenic (1). 5 of the submissions do not count toward it. Last evaluated 2023-08-25.

Conditions:
CDH1-related diffuse gastric and lobular breast cancer syndrome. Also called: CDH1-related diffuse gastric and lobular breast cancer. Identifiers: MedGen CN311521, MONDO:0100488.
Hereditary diffuse gastric adenocarcinoma (HDGC). Also called: DIFFUSE GASTRIC AND LOBULAR BREAST CANCER SYNDROME. Identifiers: Orphanet 26106, MedGen C1708349, MONDO:0007648, OMIM 137215.
Familial cancer of breast. Also called: hereditary breast carcinoma; BREAST CANCER, FAMILIAL; Hereditary breast cancer. Identifiers: Orphanet 227535, MedGen C0346153, MONDO:0016419, OMIM 114480. Disease mechanism: loss of function.
Hereditary cancer-predisposing syndrome. Also called: Hereditary neoplastic syndrome; Tumor predisposition; Hereditary Cancer Syndrome; Neoplastic Syndromes, Hereditary. Identifiers: Orphanet 140162, MedGen C0027672, MeSH D009386, MONDO:0015356.

Submissions (6):

Clingen Gastric Cancer Variant Curation Expert Panel
Classification: Pathogenic for CDH1-related diffuse gastric and lobular breast cancer syndrome. Last evaluated: 2023-08-25. Review status: reviewed by expert panel. Criteria: ClinGen CDH1 ACMG Specifications V3.1. Collection method: curation. Allele origin: germline. Inheritance: Autosomal dominant inheritance.
Comment: The c.1107del (p.Asn369Lysfs) variant is predicted to result in a premature stop codon that leads to a truncated or absent protein (PVS1, PM5_Supporting). The variant is absent in the gnomAD cohort (PM2_Supporting). This variant has been reported in at least one family meeting HDGC clinical criteria (PS4_Supporting; PMID 17221870). In summary, this variant meets criteria to be classified as pathogenic based on the ACMG/AMP criteria applied as specified by the CDH1 Variant Curation Expert Panel (Variant Interpretation Guidelines Version 3.1): PVS1, PM2_Supporting, PS4_Supporting, PM5_Supporting.

Quest Diagnostics Nichols Institute San Juan Capistrano
Classification: Pathogenic. Last evaluated: 2023-11-20. Review status: criteria provided, single submitter. Criteria: Quest Diagnostics criteria. Collection method: clinical testing. Allele origin: unknown. Not counted in ClinVar's aggregate classification.
Comment: The CDH1 c.1107del (p.Asn369Lysfs*24) variant alters the translational reading frame of the CDH1 mRNA and causes the premature termination of CDH1 protein synthesis. This variant has been reported in the published literature in individuals with diffuse gastric cancer (PMID: 17221870 (2007), 34949788 (2022)). This variant has not been reported in large, multi-ethnic general populations (Genome Aggregation Database). Based on the available information, this variant is classified as pathogenic.

Baylor Genetics
Classification: Pathogenic for Familial cancer of breast. Last evaluated: 2023-05-12. Review status: criteria provided, single submitter. Criteria: ACMG Guidelines, 2015. Collection method: clinical testing. Allele origin: unknown. Not counted in ClinVar's aggregate classification.

MGZ Medical Genetics Center
Classification: Pathogenic for Hereditary diffuse gastric adenocarcinoma. Last evaluated: 2022-08-30. Review status: criteria provided, single submitter. Criteria: ACMG Guidelines, 2015. Collection method: clinical testing. Allele origin: germline. Affected: yes. Observed: 1 variant allele. Not counted in ClinVar's aggregate classification.
Comment: ACMG criteria applied: PVS1, PS4_SUP, PM2_SUP

Ambry Genetics
Classification: Pathogenic for Hereditary cancer-predisposing syndrome. Last evaluated: 2022-08-24. Review status: criteria provided, single submitter. Criteria: Ambry Variant Classification Scheme 2023. Collection method: clinical testing. Allele origin: germline. Not counted in ClinVar's aggregate classification.
Comment: The c.1107delC pathogenic mutation, located in coding exon 8 of the CDH1 gene, results from a deletion of one nucleotide at nucleotide position 1107, causing a translational frameshift with a predicted alternate stop codon (p.N369Kfs*24). In addition to the clinical data presented in the literature, this alteration is expected to result in loss of function by premature protein truncation or nonsense-mediated mRNA decay. As such, this alteration is interpreted as a disease-causing mutation.

Labcorp Genetics (formerly Invitae), Labcorp
Classification: Pathogenic for Hereditary diffuse gastric adenocarcinoma. Last evaluated: 2021-07-31. Review status: criteria provided, single submitter. Criteria: Invitae Variant Classification Sherloc (09022015). Collection method: clinical testing. Allele origin: germline. Not counted in ClinVar's aggregate classification.
Comment: This sequence change creates a premature translational stop signal (p.Asn369Lysfs*24) in the CDH1 gene. It is expected to result in an absent or disrupted protein product. For these reasons, this variant has been classified as Pathogenic. Loss-of-function variants in CDH1 are known to be pathogenic (PMID: 15235021, 20373070). This variant has been observed in an individual affected with hereditary diffuse gastric cancer (PMID: 17221870). This variant is not present in population databases (ExAC no frequency).

Literature cited by the submitters: PubMed 17221870 (cited by 4 submitters); PubMed 34949788 (cited by Quest Diagnostics Nichols Institute San Juan Capistrano); PubMed 19725995 (cited by Ambry Genetics); PubMed 22225527 (cited by Ambry Genetics); PubMed 15235021 (cited by Labcorp Genetics (formerly Invitae), Labcorp); PubMed 20373070 (cited by Labcorp Genetics (formerly Invitae), Labcorp).